The following is an entry in ClinVar:

NM_000094.4(COL7A1):c.1076C>T (p.Thr359Ile)

Gene: COL7A1 (collagen type VII alpha 1 chain; minus strand). Cytogenetic location: 3p21.31.
Variant type: single nucleotide variant.
Coding change: c.1076C>T on transcript NM_000094.4 (MANE Select); coding-DNA position 1076, C replaced by T.
Protein change: p.Thr359Ile; replaces threonine 359 with isoleucine.
Molecular consequence: missense variant.
Genome position (GRCh38, 1-based): chr3:48,592,368, G>A on the plus strand (C>T on the coding strand, the complement: COL7A1 is on the minus strand). VCF-style: chr3-48592368-G-A. GRCh37 (hg19) VCF-style: chr3-48629801-G-A.
Other names: short protein forms T359I.
Identifiers: ClinVar variation 3635687 (VCV003635687.2).

ClinVar aggregate classification (germline): Uncertain significance (1 of 4 stars; one submission).

Submission:

Labcorp Genetics (formerly Invitae), Labcorp
Classification: Uncertain significance. Last evaluated: 2024-07-21. Review status: criteria provided, single submitter. Criteria: Invitae Variant Classification Sherloc (09022015). Collection method: clinical testing. Allele origin: germline.
Comment: This sequence change replaces threonine, which is neutral and polar, with isoleucine, which is neutral and non-polar, at codon 359 of the COL7A1 protein (p.Thr359Ile). This variant is not present in population databases (gnomAD no frequency). This variant has not been reported in the literature in individuals affected with COL7A1-related conditions. Advanced modeling of protein sequence and biophysical properties (such as structural, functional, and spatial information, amino acid conservation, physicochemical variation, residue mobility, and thermodynamic stability) performed at Invitae indicates that this missense variant is not expected to disrupt COL7A1 protein function with a negative predictive value of 95%. In summary, the available evidence is currently insufficient to determine the role of this variant in disease. Therefore, it has been classified as a Variant of Uncertain Significance.